The following is an entry in ClinVar:

ClinVar aggregate classification (germline): Benign/Likely benign. Review status: criteria provided, multiple submitters, no conflicts (2 of 4 stars). 10 submissions from 10 submitters: Benign (5); Likely benign (4). 1 of the submissions does not count toward it. Last evaluated 2025-12-16.

Conditions:
Ehlers-Danlos syndrome, classic type, 2 (EDSCL2). Also called: Ehlers-Danlos syndrome, type 2; Ehlers-Danlos syndrome type 2 (formerly); Ehlers-Danlos Syndrome, Classic Type, COL5A2-Related. Identifiers: Orphanet 287, Orphanet 90318, MedGen C0268336, MONDO:0019568, OMIM 130010.
Ehlers-Danlos syndrome, classic type, 1 (EDSCL1). Also called: Ehlers-Danlos syndrome, type 1; EHLERS-DANLOS SYNDROME, GRAVIS TYPE; EHLERS-DANLOS SYNDROME, SEVERE CLASSIC TYPE; EDS I; Ehlers-Danlos Syndrome, Classic Type, COL5A1-Related. Identifiers: MedGen C0268335, MONDO:0019567, OMIM 130000.
COL5A2-related disorder. Also called: COL5A2-related condition.
Familial thoracic aortic aneurysm and aortic dissection (TAAD). Also called: Thoracic aortic aneurysms and dissections. Identifiers: Orphanet 91387, MedGen C4707243, MONDO:0019625.

Allele frequency attached by ClinVar (database versions not stated): gnomAD exomes 0.00006 and 0.00023; ExAC 0.00030; ESP Exome Variant Server 0.00031; gnomAD 0.00064 and 0.00069; TOPMed 0.00070; 1000 Genomes Project 0.00140; 1000 Genomes Project 30x 0.00141.
gnomAD v4.1: 183 of 1,609,070 alleles (0.011%); highest among the groups gnomAD compares: African/African-American, 0.19%; no homozygotes.

Submissions (10):

Labcorp Genetics (formerly Invitae), Labcorp
Classification: Benign for Ehlers-Danlos syndrome, classic type, 1. Last evaluated: 2025-12-16. Review status: criteria provided, single submitter. Criteria: Invitae Variant Classification Sherloc (09022015). Collection method: clinical testing. Allele origin: germline.

Mayo Clinic Laboratories, Mayo Clinic
Classification: Likely benign. Last evaluated: 2025-04-24. Review status: criteria provided, single submitter. Criteria: ACMG Guidelines, 2015. Collection method: clinical testing. Allele origin: germline. Observed: 2 variant alleles.
Comment: BS1, BP4, BP7

Women's Health and Genetics/Laboratory Corporation of America, LabCorp
Classification: Benign. Last evaluated: 2023-08-10. Review status: criteria provided, single submitter. Criteria: LabCorp Variant Classification Summary - May 2015. Collection method: clinical testing. Allele origin: germline.

GeneDx
Classification: Likely benign. Last evaluated: 2021-11-04. Review status: criteria provided, single submitter. Criteria: GeneDx Variant Classification Process June 2021. Collection method: clinical testing. Allele origin: germline. Affected: yes.

Blueprint Genetics
Classification: Likely benign. Last evaluated: 2021-08-02. Review status: criteria provided, single submitter. Criteria: ACMG Guidelines, 2015. Collection method: clinical testing. Allele origin: germline.

Ambry Genetics
Classification: Benign for Familial thoracic aortic aneurysm and aortic dissection. Last evaluated: 2020-04-13. Review status: criteria provided, single submitter. Criteria: Ambry Variant Classification Scheme 2023. Collection method: clinical testing. Allele origin: germline.

Illumina Laboratory Services, Illumina
Classification: Benign for Ehlers-Danlos syndrome, classic type, 2. Last evaluated: 2018-01-13. Review status: criteria provided, single submitter. Criteria: ICSL Variant Classification Criteria 13 December 2019. Collection method: clinical testing. Allele origin: germline.
Comment: This variant was observed in the ICSL laboratory as part of a predisposition screen in an ostensibly healthy population. It had not been previously curated by ICSL or reported in the Human Gene Mutation Database (HGMD: prior to June 1st, 2018), and was therefore a candidate for classification through an automated scoring system. Utilizing variant allele frequency, disease prevalence and penetrance estimates, and inheritance mode, an automated score was calculated to assess if this variant is too frequent to cause the disease. Based on the score and internal cut-off values, a variant classified as benign is not then subjected to further curation. The score for this variant resulted in a classification of benign for this disease.

Eurofins Ntd Llc (ga)
Classification: Benign. Last evaluated: 2015-05-22. Review status: criteria provided, single submitter. Criteria: EGL Classification Definitions 2015. Collection method: clinical testing. Allele origin: germline. Observed: 1 variant allele, 1 heterozygote.

Breakthrough Genomics
Classification: Likely benign. Review status: criteria provided, single submitter. Criteria: ACMG Guidelines, 2015. Collection method: not provided. Allele origin: germline. Inheritance: Autosomal dominant inheritance. Affected: yes.

PreventionGenetics, part of Exact Sciences
Classification: Likely benign for COL5A2-related condition. Last evaluated: 2021-05-05. Review status: no assertion criteria provided. Collection method: clinical testing. Allele origin: germline. Not counted in ClinVar's aggregate classification.
Comment: This variant is classified as likely benign based on ACMG/AMP sequence variant interpretation guidelines (Richards et al. 2015 PMID: 25741868, with internal and published modifications).

NM_000393.5(COL5A2):c.2787G>A (p.Ala929=)

Gene: COL5A2 (collagen type V alpha 2 chain; minus strand). Cytogenetic location: 2q32.2.
Variant type: single nucleotide variant.
Coding change: c.2787G>A on transcript NM_000393.5 (MANE Select); coding-DNA position 2787, G replaced by A.
Protein change: p.Ala929=; no amino-acid change (alanine 929 retained).
Molecular consequence: synonymous variant.
Genome position (GRCh38, 1-based): chr2:189,051,464, C>T on the plus strand (G>A on the coding strand, the complement: COL5A2 is on the minus strand). VCF-style: chr2-189051464-C-T. GRCh37 (hg19) VCF-style: chr2-189916190-C-T.
Other names: p.Ala929=; c.2787G>A (NM_000393.4).
Identifiers: ClinVar variation 197452 (VCV000197452.30), dbSNP rs151027388, ClinGen allele CA202897.